The following is an entry in ClinVar:

NM_000238.4(KCNH2):c.3054_3055insCCCCCCC (p.Thr1019fs)

Gene: KCNH2 (potassium voltage-gated channel subfamily H member 2; minus strand). Cytogenetic location: 7q36.1.
Variant type: Insertion.
Coding change: c.3054_3055insCCCCCCC on transcript NM_000238.4 (MANE Select); coding-DNA positions 3054 to 3055, CCCCCCC inserted.
Protein change: p.Thr1019fs; shifts the reading frame from threonine 1019.
Molecular consequence: frameshift variant. On other transcripts: non-coding transcript variant (2).
Genome position: GRCh38 VCF-style: chr7-150947425-T-TGGGGGGG. GRCh37 (hg19) VCF-style: chr7-150644513-T-TGGGGGGG.
Other names: c.2766_2767insCCCCCCC, p.Thr923fs (NM_001406753.1); c.2034_2035insCCCCCCC, p.Thr679fs (NM_172057.3); short protein forms T1019fs, T679fs, T923fs.
Identifiers: ClinVar variation 3076029 (VCV003076029.1), dbSNP rs1554424138, ClinGen allele CA913188232.

ClinVar aggregate classification (germline): Likely pathogenic (1 of 4 stars; one submission).

Conditions:
Familial long QT syndrome (RWS). Also called: Romano-Ward syndrome; VENTRICULAR FIBRILLATION WITH PROLONGED QT INTERVAL; Congenital long QT syndrome. Identifiers: Orphanet 768, MedGen C1141890, MONDO:0019171.

Submission:

Laboratory for Molecular Medicine, Mass General Brigham Personalized Medicine
Classification: Likely pathogenic for Familial long QT syndrome. Last evaluated: 2017-01-31. Review status: criteria provided, single submitter. Criteria: ACMG Guidelines, 2015. Collection method: clinical testing. Allele origin: germline.
Comment: The p.Thr1019fs variant in KCNH2 has not been previously reported in individuals with long QT syndrome. Data from large population studies is insufficient to assess the frequency of this variant. This variant is predicted to cause a frameshift, which alters the protein’s amino acid sequence beginning at position 1019 and leads to a premature termination codon 102 amino acids downstream. This alteration is then predicted to lead to a truncated or absent protein. Heterozygous loss of function of the KCNH2 gene is associated with long QT syndrome. In summary, although additional studies are required to fully establish its clinical significance, the p.Thr1019fs variant is likely pathogenic for long QT syndrome in an autosomal dominant manner based on its predicted impact to the protein.